The following is an entry in ClinVar:

GRCh38/hg38 1q21.1(chr1:145672100-146040040)x3

Genes: ANKRD34A (ankyrin repeat domain 34A; minus strand), ANKRD35 (ankyrin repeat domain 35; minus strand), ANKRD35-DT (ANKRD35 divergent transcript; plus strand), CD160 (CD160 molecule; plus strand), HJV (hemojuvelin BMP co-receptor; minus strand) and 47 more. Cytogenetic location: 1q21.1.
Variant type: copy number gain.
Change: copy number 3 (three copies instead of two) of chr1:145,672,100-146,040,040 (367.9 kb, GRCh38 coordinates, 1-based), cytogenetic band 1q21.1.
Identifiers: ClinVar variation 4852028 (VCV004852028.1).

ClinVar aggregate classification (germline): Uncertain significance (1 of 4 stars; one submission).

Submission:

Clinical Genomics Laboratory, Laboratory for Precision Diagnostics, University of Washington
Classification: Uncertain significance. Last evaluated: 2022-03-31. Review status: criteria provided, single submitter. Criteria: ACMG/ClinGen CNV Guidelines, 2019. Collection method: clinical testing. Allele origin: unknown. Affected: yes. Observed: 1 variant allele.
Comment: The duplication is approximately 368 kb in size and affects 15 protein-coding genes. It corresponds to the recurrent proximal 1q21.1 microduplication, the reciprocal duplication of the microdeletion associated with thrombocytopenia absent radius (TAR) syndrome. There are several reports in the medical literature describing this recurrent duplication which have been shown to be significantly enriched in the clinical population, but the phenotypes in individuals carrying this proximal 1q21.1 duplication appeared to have variably expressivity and incomplete penetrance. Although the ClinGen curation committee for CNVs classifies this microduplication as having “little evidence for triplosensitivity” (last reviewed 5/18/2017), a recent study described another 5 people (cases 32-36) with the proximal 1q21.1 duplication, including one mother-daughter pair. Three of the five had neurocognitive differences, three of the five had a seizure disorder, and two of the five had cardiac septal defects. For more detailed description, this recurrent duplication affects 15 protein-coding genes but doesn't overlap any confirmed dosage sensitive genes. A review of public databases (ClinVar, DECIPHER) shows many patients with this duplication, but often not enough information is included to be informative. DECIPHER 260565, patient 35 in PMID: 32655619, and patient 47 in PMID: 22317977 all inherited this duplication from a parent with similar clinical features. A review of case-control studies shows an enrichment of this duplication in children with intellectual disability, developmental delay, or multiple congenital abnormalities compared to healthy controls. However, there are several instances of people with this duplication inheriting it from a parent with no health problems (patient 49 in PMID: 22317977, patient 31 in PMID: 32655619, DECIPHER patients 258316, 249154, 267222, 260406, and 255915). A similar duplication appears in the Database of Genomic Variants Gold curated set but not in gnomAD.

Literature cited by the submitters: PubMed 32655619; PubMed 25217958; PubMed 22317977; PubMed 21841781.